The following is an entry in ClinVar:

NM_138711.6(PPARG):c.221-10C>T

Gene: PPARG (peroxisome proliferator activated receptor gamma; plus strand). Cytogenetic location: 3p25.2.
Variant type: single nucleotide variant.
Coding change: c.221-10C>T on transcript NM_138711.6 (MANE Select); 10 bases into the intron before coding-DNA position 221, C replaced by T.
Molecular consequence: intron variant.
Genome position (GRCh38, 1-based): chr3:12,381,312, C>T. VCF-style: chr3-12381312-C-T. GRCh37 (hg19) VCF-style: chr3-12422811-C-T.
Other names: c.221-10C>T (NM_001354666.3, NM_138712.5, NM_005037.7 and 6 more transcripts); c.-207-10C>T (NM_001354669.2); c.227-10C>T (NM_001374266.1, NM_001354670.2); c.311-10C>T (NM_015869.5, NM_001374265.1, NM_001354668.2).
Identifiers: ClinVar variation 4994334 (VCV004994334.1).

ClinVar aggregate classification (germline): Likely benign (1 of 4 stars; one submission).

Conditions:
PPARG-related disorder. Also called: PPARG-related disorders; PPARG-related condition.

Submission:

PreventionGenetics, part of Exact Sciences
Classification: Likely benign for PPARG-related condition. Last evaluated: 2025-09-16. Review status: criteria provided, single submitter. Criteria: ACMG Guidelines, 2015. Collection method: clinical testing. Allele origin: germline.
Comment: This variant is classified as likely benign based on ACMG/AMP sequence variant interpretation guidelines (Richards et al. 2015 PMID: 25741868, with internal and published modifications).